The following is an entry in ClinVar:

ClinVar aggregate classification (germline): Likely pathogenic (1 of 4 stars; one submission).

Conditions:
Dilated cardiomyopathy 1G (CMD1G). Identifiers: Orphanet 154, MedGen C1858763, MONDO:0011400, OMIM 604145.
Autosomal recessive limb-girdle muscular dystrophy type 2J (LGMDR10). Also called: Limb-girdle muscular dystrophy, type 2J; MUSCULAR DYSTROPHY, LIMB-GIRDLE, AUTOSOMAL RECESSIVE 10. Identifiers: Orphanet 140922, MedGen C1837342, MONDO:0012127, OMIM 608807.

Submission:

Labcorp Genetics (formerly Invitae), Labcorp
Classification: Likely pathogenic for Dilated cardiomyopathy 1G; Autosomal recessive limb-girdle muscular dystrophy type 2J. Last evaluated: 2024-07-16. Review status: criteria provided, single submitter. Criteria: Invitae Variant Classification Sherloc (09022015). Collection method: clinical testing. Allele origin: germline.
Comment: This sequence change creates a premature translational stop signal (p.Gly33695Glufs*14) in the TTN gene. While this is not anticipated to result in nonsense mediated decay, it is expected to create a truncated TTN protein. This variant is not present in population databases (gnomAD no frequency). This variant has not been reported in the literature in individuals affected with TTN-related conditions. This variant is located in the M band of TTN (PMID: 25589632). Truncating variants in this region have been previously reported in individuals affected with autosomal recessive myopathy and muscular dystrophy (PMID: 18948003, 23975875, 24395473). Truncating variants in this region have also been identified in individuals affected with autosomal dominant dilated cardiomyopathy and/or cardio-related conditions (PMID: 27869827, 32964742, Invitae internal data). In summary, the currently available evidence indicates that the variant is pathogenic, but additional data are needed to prove that conclusively. Therefore, this variant has been classified as Likely Pathogenic.

Literature cited by the submitters: PubMed 25589632; PubMed 18948003; PubMed 23975875; PubMed 24395473; PubMed 27869827; PubMed 32964742.

NM_001267550.2(TTN):c.101084del (p.Gly33695fs)

Genes: TTN-AS1 (TTN antisense RNA 1; plus strand), TTN (titin; minus strand). Cytogenetic location: 2q31.2.
Variant type: Deletion.
Coding change: c.101084del on transcript NM_001267550.2 (MANE Select); coding-DNA position 101084, one base deleted (G; older notation c.101084delG).
Protein change: p.Gly33695fs; shifts the reading frame from glycine 33695.
Molecular consequence: frameshift variant.
Genome position (GRCh38, 1-based): chr2:178,535,531, C deleted on the plus strand (G on the coding strand, the reverse complement: TTN is on the minus strand); the first of 2 consecutive C bases (chr2:178,535,531-178,535,532); deleting either gives the same sequence. VCF-style (leftmost placement, unchanged base first): chr2-178535530-TC-T. GRCh37 (hg19) VCF-style: chr2-179400257-TC-T.
Other names: c.96161del, p.Gly32054fs (NM_001256850.1); c.73889del, p.Gly24630fs (NM_003319.4); c.93380del, p.Gly31127fs (NM_133378.4); c.74264del, p.Gly24755fs (NM_133432.3); c.74465del, p.Gly24822fs (NM_133437.4); short protein forms G24630fs, G24755fs, G24822fs, G31127fs, G32054fs, G33695fs.
Identifiers: ClinVar variation 3757252 (VCV003757252.2).
Genomic context (GRCh38, chr2:178,535,530, plus strand): 5'-AGAGGCTGGCTCAGTCCATGTTAAGTTGACAGAATCTCGTGAGACATCACTAACTTTGAC[TC>T]CTCTGGGTGGGTCAGGAACATCAGCCACATCCAGTTCAACTGTCTTCTGATCAATTCCAA-3'